The following is an entry in ClinVar:

ClinVar aggregate classification (germline): Likely benign (1 of 4 stars; one submission).

Conditions:
Basal ganglia calcification, idiopathic, 6 (PFBC6). Also called: PRIMARY FAMILIAL BRAIN CALCIFICATION 6, AUTOSOMAL DOMINANT. Identifiers: Orphanet 1980, MedGen C4225335, MONDO:0014628, OMIM 616413.

gnomAD v4.1: 3 of 1,614,100 alleles (0.00019%); highest among the groups gnomAD compares: South Asian, 0.0022%; no homozygotes.

Submission:

Centre for Medical Genetics,  Mumbai
Classification: Likely benign for Basal ganglia calcification, idiopathic, 6. Last evaluated: 2026-05-05. Review status: criteria provided, single submitter. Criteria: ACMG Guidelines, 2015. Collection method: provider interpretation. Allele origin: germline. Inheritance: Autosomal dominant inheritance. Affected: no. Observed: 1 variant allele, 1 heterozygote.
Comment: The variant satisfies PM2 criteria - extremely low frequency in gnomAD population databases. The variant satisfies PP2 criteria - missense variant in a gene with low rate of benign missense mutations and for which missense mutation is a common mechanism of a disease. The variant satisfies BP4 criteria - for a missense or a splice region variant, computational prediction tools unanimously support a benign effect on the gene. However, the variant satisfies BS2 criteria - present in heterozygous state in an individual that clinically does not have Basal ganglia calcification.

Literature cited by the submitters: PubMed 25938945.

NM_004736.4(XPR1):c.1757C>T (p.Pro586Leu)

Gene: XPR1 (xenotropic and polytropic retrovirus receptor 1; plus strand). Cytogenetic location: 1q25.3.
Variant type: single nucleotide variant.
Coding change: c.1757C>T on transcript NM_004736.4 (MANE Select); coding-DNA position 1757, C replaced by T.
Protein change: p.Pro586Leu; replaces proline 586 with leucine.
Molecular consequence: missense variant. On other transcripts: non-coding transcript variant (1).
Genome position (GRCh38, 1-based): chr1:180,873,891, C>T. VCF-style: chr1-180873891-C-T. GRCh37 (hg19) VCF-style: chr1-180843027-C-T.
Other names: c.1562C>T, p.Pro521Leu (NM_001135669.2); short protein forms P521L, P586L.
Identifiers: ClinVar variation 4852286 (VCV004852286.1).